The following is an entry in ClinVar:

ClinVar aggregate classification (germline): Benign/Likely benign. Review status: criteria provided, multiple submitters, no conflicts (2 of 4 stars). 11 submissions from 10 submitters: Benign (7); Likely benign (3). 1 of the submissions does not count toward it. Last evaluated 2026-04-01.

Conditions:
NOTCH1-related disorder. Also called: NOTCH1-related condition; NOTCH1-related disorders.
Adams-Oliver syndrome 5 (AOS5). Identifiers: Orphanet 974, MedGen C4014970, MONDO:0014459, OMIM 616028.
Familial thoracic aortic aneurysm and aortic dissection (TAAD). Also called: Thoracic aortic aneurysms and dissections. Identifiers: Orphanet 91387, MedGen C4707243, MONDO:0019625.
Aortic valve disease 1 (AOVD1). Identifiers: MedGen C3887892, MONDO:0024523, OMIM 109730.

Allele frequency attached by ClinVar (database versions not stated): gnomAD exomes 0.00024 and 0.00062; ExAC 0.00154; 1000 Genomes Project 30x 0.00265; 1000 Genomes Project 0.00280; ESP Exome Variant Server 0.00281; gnomAD 0.00286 and 0.00308; TOPMed 0.00314.
gnomAD v4.1: 791 of 1,583,036 alleles (0.05%); highest among the groups gnomAD compares: African/African-American, 0.9%; 5 homozygotes.

Submissions (11):

CeGaT Center for Human Genetics Tuebingen
Classification: Likely benign. Last evaluated: 2026-04-01. Review status: criteria provided, single submitter. Criteria: CeGaT Center For Human Genetics Tuebingen Variant Classification Criteria Version 2. Collection method: clinical testing. Allele origin: germline. Affected: yes. Observed: 1 variant allele.
Comment: NOTCH1: BP4, BP7

Labcorp Genetics (formerly Invitae), Labcorp
Classification: Benign for Adams-Oliver syndrome 5. Last evaluated: 2026-01-26. Review status: criteria provided, single submitter. Criteria: Invitae Variant Classification Sherloc (09022015). Collection method: clinical testing. Allele origin: germline.

Blueprint Genetics
Classification: Likely benign. Last evaluated: 2024-08-28. Review status: criteria provided, single submitter. Criteria: ACMG Guidelines, 2015. Collection method: clinical testing. Allele origin: germline.

Mayo Clinic Laboratories, Mayo Clinic
Classification: Benign. Last evaluated: 2024-02-23. Review status: criteria provided, single submitter. Criteria: ACMG Guidelines, 2015. Collection method: clinical testing. Allele origin: germline. Observed: 2 variant alleles.
Comment: BS1, BS2, BP4, BP7

Women's Health and Genetics/Laboratory Corporation of America, LabCorp
Classification: Benign. Last evaluated: 2023-07-21. Review status: criteria provided, single submitter. Criteria: LabCorp Variant Classification Summary - May 2015. Collection method: clinical testing. Allele origin: germline.

Genome-Nilou Lab
Classification: Benign for Adams-Oliver syndrome 5. Last evaluated: 2022-03-15. Review status: criteria provided, single submitter. Criteria: ACMG Guidelines, 2015. Collection method: clinical testing. Allele origin: germline. Affected: no.

Genome-Nilou Lab
Classification: Benign for Aortic valve disease 1. Last evaluated: 2022-03-15. Review status: criteria provided, single submitter. Criteria: ACMG Guidelines, 2015. Collection method: clinical testing. Allele origin: germline. Affected: no.

CHEO Genetics Diagnostic Laboratory, Children's Hospital of Eastern Ontario
Classification: Benign for Familial thoracic aortic aneurysm and aortic dissection. Last evaluated: 2017-12-01. Review status: criteria provided, single submitter. Criteria: ACMG Guidelines, 2015. Collection method: clinical testing. Allele origin: germline.

GeneDx
Classification: Benign. Last evaluated: 2017-03-20. Review status: criteria provided, single submitter. Criteria: GeneDx Variant Classification (06012015). Collection method: clinical testing. Allele origin: germline. Affected: yes.
Comment: This variant is considered likely benign or benign based on one or more of the following criteria: it is a conservative change, it occurs at a poorly conserved position in the protein, it is predicted to be benign by multiple in silico algorithms, and/or has population frequency not consistent with disease.

Ambry Genetics
Classification: Likely benign for Familial thoracic aortic aneurysm and aortic dissection. Last evaluated: 2016-04-26. Review status: criteria provided, single submitter. Criteria: Ambry Variant Classification Scheme 2023. Collection method: clinical testing. Allele origin: germline.

PreventionGenetics, part of Exact Sciences
Classification: Benign for NOTCH1-related condition. Last evaluated: 2019-10-09. Review status: no assertion criteria provided. Collection method: clinical testing. Allele origin: germline. Not counted in ClinVar's aggregate classification.
Comment: This variant is classified as benign based on ACMG/AMP sequence variant interpretation guidelines (Richards et al. 2015 PMID: 25741868, with internal and published modifications).

Literature cited by the submitters: PubMed 24943832 (cited by Women's Health and Genetics/Laboratory Corporation of America, LabCorp); PubMed 16614245 (cited by Women's Health and Genetics/Laboratory Corporation of America, LabCorp); PubMed 21670202 (cited by Women's Health and Genetics/Laboratory Corporation of America, LabCorp); PubMed 22210878 (cited by Women's Health and Genetics/Laboratory Corporation of America, LabCorp); PubMed 19635999 (cited by Women's Health and Genetics/Laboratory Corporation of America, LabCorp); PubMed 26837699 (cited by Women's Health and Genetics/Laboratory Corporation of America, LabCorp); PubMed 23086750 (cited by Women's Health and Genetics/Laboratory Corporation of America, LabCorp); PubMed 19245433 (cited by Women's Health and Genetics/Laboratory Corporation of America, LabCorp); PubMed 22077063 (cited by Women's Health and Genetics/Laboratory Corporation of America, LabCorp); PubMed 15472075 (cited by Women's Health and Genetics/Laboratory Corporation of America, LabCorp); PubMed 23734977 (cited by Women's Health and Genetics/Laboratory Corporation of America, LabCorp); PubMed 22858860 (cited by Women's Health and Genetics/Laboratory Corporation of America, LabCorp).

NM_017617.5(NOTCH1):c.4827C>T (p.Asp1609=)

Gene: NOTCH1 (notch receptor 1; minus strand). Cytogenetic location: 9q34.3.
Variant type: single nucleotide variant.
Coding change: c.4827C>T on transcript NM_017617.5 (MANE Select); coding-DNA position 4827, C replaced by T.
Protein change: p.Asp1609=; no amino-acid change (aspartic acid 1609 retained).
Molecular consequence: synonymous variant.
Genome position (GRCh38, 1-based): chr9:136,504,864, G>A on the plus strand (C>T on the coding strand, the complement: NOTCH1 is on the minus strand). VCF-style: chr9-136504864-G-A. GRCh37 (hg19) VCF-style: chr9-139399316-G-A.
Other names: p.Asp1609=; c.4827C>T, p.Asp1609= (LRG_1122t1); c.4827C>T (NM_017617.4).
Identifiers: ClinVar variation 241142 (VCV000241142.26), dbSNP rs113634293, ClinGen allele CA5340508.